The following is an entry in ClinVar:

ClinVar aggregate classification (germline): Pathogenic (0 of 4 stars; one submission).

Conditions:
Fanconi anemia complementation group A (FANCA). Also called: Fanconi anemia, group A; FANCA-Related Fanconi Anemia. Identifiers: Orphanet 84, MedGen C3469521, MONDO:0009215, OMIM 227650.

Submission:

Leiden Open Variation Database
Classification: Pathogenic for Fanconi anemia complementation group A. Last evaluated: 2020-02-28. Review status: no assertion criteria provided. Collection method: curation. Allele origin: germline. Affected: yes.
Comment: Curator: Arleen D. Auerbach. Submitter to LOVD: Sue Richards.

Literature cited by the submitters: PubMed 19367192.

NM_000135.4(FANCA):c.2854C>T (p.Gln952Ter)

Gene: FANCA (FA complementation group A; minus strand). Cytogenetic location: 16q24.3.
Variant type: single nucleotide variant.
Coding change: c.2854C>T on transcript NM_000135.4 (MANE Select); coding-DNA position 2854, C replaced by T.
Protein change: p.Gln952Ter; replaces glutamine 952 with a stop codon.
Molecular consequence: nonsense.
Genome position (GRCh38, 1-based): chr16:89,758,704, G>A on the plus strand (C>T on the coding strand, the complement: FANCA is on the minus strand). VCF-style: chr16-89758704-G-A. GRCh37 (hg19) VCF-style: chr16-89825112-G-A.
Other names: c.2854C>T, p.Gln952Ter (NM_001286167.3); short protein forms Q952*.
Identifiers: ClinVar variation 974148 (VCV000974148.1), dbSNP rs2038844790, ClinGen allele CA397431606.
Genomic context (GRCh38, chr16:89,758,704, plus strand): 5'-CCCCTGAAGCCGAGGACTCAGGGAGAAAGTGCTCATGGATCGCCCACTGGTGGAAGTCCT[G>A]CCTAGAACAGCAAACACTGCTATCAATTCTGAGAAATGCTTCGTGGCCAGCGGTTCCCCA-3'